The following is an entry in ClinVar:

NM_001367624.2(ZNF469):c.7110G>A (p.Met2370Ile)

Gene: ZNF469 (zinc finger protein 469; plus strand). Cytogenetic location: 16q24.2.
Variant type: single nucleotide variant.
Coding change: c.7110G>A on transcript NM_001367624.2 (MANE Select); coding-DNA position 7110, G replaced by A.
Protein change: p.Met2370Ile; replaces methionine 2370 with isoleucine.
Molecular consequence: missense variant.
Genome position (GRCh38, 1-based): chr16:88,434,580, G>A. VCF-style: chr16-88434580-G-A. GRCh37 (hg19) VCF-style: chr16-88500988-G-A.
Other names: NM_001127464.1:c.7026G>A; short protein forms M2370I.
Identifiers: ClinVar variation 2626132 (VCV002626132.2), dbSNP rs2507595463, ClinGen allele CA397108530.
Genomic context (GRCh38, chr16:88,434,580, plus strand): 5'-TGAGCCTCCCACGCTACAGGGTGCAGGGCCGGACTCCCCCGCCTGCCTGGAAGGTGAGAT[G>A]GGGACCAGCAGCAAGGAGCCGGAGGACCCAGGGACCCCTGAGACCGGGCGCTCTGGTGCT-3'
Protein context (NP_001354553.1, residues 2360-2380): PDSPACLEGE[Met2370Ile]GTSSKEPEDP

ClinVar aggregate classification (germline): Uncertain significance (1 of 4 stars; one submission).

Conditions:
Cardiovascular phenotype. Identifiers: MedGen CN230736.

Allele frequency attached by ClinVar (database versions not stated): gnomAD exomes below 0.00001.
gnomAD v4.1: 1 of 1,550,334 alleles (0.000065%); highest among the groups gnomAD compares: Non-Finnish European, 0.000087%; no homozygotes.

Submission:

Ambry Genetics
Classification: Uncertain significance for Cardiovascular phenotype. Last evaluated: 2023-08-11. Review status: criteria provided, single submitter. Criteria: Ambry Variant Classification Scheme 2023. Collection method: clinical testing. Allele origin: germline.
Comment: The p.M2342I variant (also known as c.7026G>A), located in coding exon 2 of the ZNF469 gene, results from a G to A substitution at nucleotide position 7026. The methionine at codon 2342 is replaced by isoleucine, an amino acid with highly similar properties. This amino acid position is conserved. In addition, this alteration is predicted to be tolerated by in silico analysis. Since supporting evidence is limited at this time, the clinical significance of this alteration remains unclear.